The following is an entry in ClinVar:

ClinVar aggregate classification (germline): Pathogenic (1 of 4 stars; one submission).

Conditions:
Polycystic kidney disease, adult type (PKD1). Also called: POLYCYSTIC KIDNEY DISEASE, ADULT, TYPE I; Polycystic Kidney Disease 1, Autosomal Dominant; Polycystic kidney disease 1; Polycystic kidney disease 1, severe; Polycystic Kidney, Autosomal Dominant; POLYCYSTIC KIDNEY DISEASE 1 WITH OR WITHOUT POLYCYSTIC LIVER DISEASE. Identifiers: MedGen C3149841, MONDO:0008263, OMIM 173900.

Submission:

Juno Genomics, Hangzhou Juno Genomics, Inc
Classification: Pathogenic for Polycystic kidney disease, adult type. Review status: criteria provided, single submitter. Criteria: ACMG Guidelines, 2015. Collection method: clinical testing. Allele origin: germline. Affected: yes.
Comment: Absent from controls (or at extremely low frequency if recessive) in Genome Aggregation Database, Exome Sequencing Project, 1000 Genomes Project, or Exome Aggregation Consortium.;Null variant in a gene where loss of function (LOF) is a known mechanism of disease.;Patient's phenotype or family history is highly specific for a disease with a single genetic etiology.

NM_001009944.3(PKD1):c.8443del (p.Ala2815fs)

Gene: PKD1 (polycystin 1, transient receptor potential channel interacting; minus strand). Cytogenetic location: 16p13.3.
Variant type: Deletion.
Coding change: c.8443del on transcript NM_001009944.3 (MANE Select); coding-DNA position 8443, one base deleted (G; older notation c.8443delG).
Protein change: p.Ala2815fs; shifts the reading frame from alanine 2815.
Molecular consequence: frameshift variant.
Genome position (GRCh38, 1-based): chr16:2,103,614, C deleted on the plus strand (G on the coding strand, the reverse complement: PKD1 is on the minus strand); the first of 4 consecutive C bases (chr16:2,103,614-2,103,617); deleting any one gives the same sequence. VCF-style (leftmost placement, unchanged base first): chr16-2103613-GC-G. GRCh37 (hg19) VCF-style: chr16-2153614-GC-G.
Other names: c.8443del, p.Ala2815fs (NM_000296.4); short protein forms A2815fs.
Identifiers: ClinVar variation 3382473 (VCV003382473.2).
Genomic context (GRCh38, chr16:2,103,613, plus strand): 5'-GGAAAGGGATTGGAGTCCACCAGAAAGATGAGCTGCACCACGTCACTGAGGTTGGCCAGG[GC>G]CCCGCTGAAAGCCTCGGGGATGGAGAAGTGGCAGCCAGGCCCTGGGGCGCCGCCATAGCA-3'